The following is an entry in ClinVar:

ClinVar aggregate classification (germline): Uncertain significance (1 of 4 stars; one submission).

Conditions:
Von Hippel-Lindau syndrome (VHLS). Also called: VHL syndrome; von Hippel–Lindau syndrome; Von Hippel-Lindau. Identifiers: Orphanet 892, MedGen C0019562, MONDO:0008667, OMIM 193300. Disease mechanism: loss of function.
Chuvash polycythemia. Also called: POLYCYTHEMIA, VHL-DEPENDENT. Identifiers: Orphanet 238557, MedGen C1837915, MONDO:0009892, OMIM 263400.

Submission:

Labcorp Genetics (formerly Invitae), Labcorp
Classification: Uncertain significance for Von Hippel-Lindau syndrome; Chuvash polycythemia. Last evaluated: 2021-02-23. Review status: criteria provided, single submitter. Criteria: Invitae Variant Classification Sherloc (09022015). Collection method: clinical testing. Allele origin: germline.
Comment: In summary, the available evidence is currently insufficient to determine the role of this variant in disease. Therefore, it has been classified as a Variant of Uncertain Significance. Experimental studies and prediction algorithms are not available or were not evaluated, and the functional significance of this variant is currently unknown. This variant has not been reported in the literature in individuals with VHL-related conditions. The frequency data for this variant in the population databases is considered unreliable, as metrics indicate insufficient coverage at this position in the ExAC database. This sequence change falls in intron 1 of the VHL gene. It is not expected to change the encoded amino acid sequence of the VHL protein. However, this sequence change falls within a cryptic exon in the VHL gene, known as exon E1’, which is naturally expressed at low levels in several human tissues (PMID: 29891534).

Literature cited by the submitters: PubMed 29891534.

NM_000551.4(VHL):c.340+733G>A

Genes: VHL (von Hippel-Lindau tumor suppressor; plus strand), LOC107303340 (3p25 von Hippel-Lindau tumor suppressor, E3 ubiquitin protein ligase Alu-mediated recombination region; plus strand). Cytogenetic location: 3p25.3.
Variant type: single nucleotide variant.
Coding change: c.340+733G>A on transcript NM_000551.4 (MANE Select); 733 bases into the intron after coding-DNA position 340, G replaced by A.
Molecular consequence: intron variant. On other transcripts: synonymous variant (1).
Genome position (GRCh38, 1-based): chr3:10,142,920, G>A. VCF-style: chr3-10142920-G-A. GRCh37 (hg19) VCF-style: chr3-10184604-G-A.
Other names: c.498G>A, p.Leu166= (NM_001354723.2); c.340+733G>A (NM_198156.3).
Identifiers: ClinVar variation 1513043 (VCV001513043.8), dbSNP rs2125126040, ClinGen allele CA2573136125.